The following is an entry in ClinVar:

ClinVar aggregate classification (germline): Uncertain significance. Review status: criteria provided, multiple submitters, no conflicts (2 of 4 stars). 2 submissions from 2 submitters: Uncertain significance (2). Last evaluated 2021-04-14.

Conditions:
Hearing impairment. Also called: Impaired Hearing. Identifiers: MedGen C1384666, MONDO:0005365, HP:0000365.

Allele frequency attached by ClinVar (database versions not stated): gnomAD 0.00003 and 0.00004; gnomAD exomes 0.00002; TOPMed 0.00002.
gnomAD v4.1: 65 of 1,613,578 alleles (0.004%); highest among the groups gnomAD compares: Non-Finnish European, 0.005%; no homozygotes.

Submissions (2):

GeneDx
Classification: Uncertain significance. Last evaluated: 2021-04-14. Review status: criteria provided, single submitter. Criteria: GeneDx Variant Classification Process June 2021. Collection method: clinical testing. Allele origin: germline. Affected: yes.
Comment: In silico analysis supports that this missense variant has a deleterious effect on protein structure/function; Has not been previously published as pathogenic or benign to our knowledge

Cambridge Genomics Laboratory, East Genomic Laboratory Hub, NHS Genomic Medicine Service
Classification: Uncertain significance for Hearing impairment. Last evaluated: 2019-10-18. Review status: criteria provided, single submitter. Criteria: ACGS Best Practice Guidelines for Variant Classification in Rare Disease 2020. Collection method: clinical testing. Allele origin: germline. Affected: yes. Observed: 1 variant allele.

NM_001170535.3(ATAD3A):c.1124T>A (p.Ile375Asn)

Gene: ATAD3A (ATPase family AAA domain containing 3A; plus strand). Cytogenetic location: 1p36.33.
Variant type: single nucleotide variant.
Coding change: c.1124T>A on transcript NM_001170535.3 (MANE Select); coding-DNA position 1124, T replaced by A.
Protein change: p.Ile375Asn; replaces isoleucine 375 with asparagine.
Molecular consequence: missense variant.
Genome position (GRCh38, 1-based): chr1:1,524,307, T>A. VCF-style: chr1-1524307-T-A. GRCh37 (hg19) VCF-style: chr1-1459687-T-A.
Other names: c.887T>A, p.Ile296Asn (NM_001170536.3); c.1268T>A, p.Ile423Asn (NM_018188.5); short protein forms I296N, I375N, I423N.
Identifiers: ClinVar variation 1304475 (VCV001304475.3), dbSNP rs1205527437, ClinGen allele CA337857976.